The following is an entry in ClinVar:

NM_022725.4(FANCF):c.1087C>T (p.Gln363Ter)

Genes: FANCF (FA complementation group F; minus strand), LOC130005443 (ATAC-STARR-seq lymphoblastoid active region 4533; plus strand). Cytogenetic location: 11p14.3.
Variant type: single nucleotide variant.
Coding change: c.1087C>T on transcript NM_022725.4 (MANE Select); coding-DNA position 1087, C replaced by T.
Protein change: p.Gln363Ter; replaces glutamine 363 with a stop codon.
Molecular consequence: nonsense.
Genome position (GRCh38, 1-based): chr11:22,624,724, G>A on the plus strand (C>T on the coding strand, the complement: FANCF is on the minus strand). VCF-style: chr11-22624724-G-A. GRCh37 (hg19) VCF-style: chr11-22646270-G-A.
Other names: short protein forms Q363*.
Identifiers: ClinVar variation 418190 (VCV000418190.17), dbSNP rs201285915, ClinGen allele CA5924194.

ClinVar aggregate classification (germline): Uncertain significance. Review status: criteria provided, multiple submitters, no conflicts (2 of 4 stars). 6 submissions from 6 submitters: Uncertain significance (6). Last evaluated 2025-12-18.

Conditions:
Fanconi anemia complementation group F. Also called: FANCF-Related Fanconi Anemia. Identifiers: Orphanet 84, MedGen C3469526, MONDO:0011325, OMIM 603467.
Fanconi anemia (FA). Also called: Fanconi's anemia. Identifiers: Orphanet 84, MedGen C0015625, MeSH D005199, MONDO:0019391.

Allele frequency attached by ClinVar (database versions not stated): TOPMed 0.00006; ESP Exome Variant Server 0.00008; gnomAD 0.00010; 1000 Genomes Project 0.00040; 1000 Genomes Project 30x 0.00047.
gnomAD v4.1: 150 of 1,614,164 alleles (0.0093%); highest among the groups gnomAD compares: Admixed American, 0.015%; no homozygotes.

Submissions (6):

GeneDx
Classification: Uncertain significance. Last evaluated: 2025-12-18. Review status: criteria provided, single submitter. Criteria: GeneDx Variant Classification Process June 2021. Collection method: clinical testing. Allele origin: germline. Affected: yes.
Comment: Observed in heterozygous state in individuals with a personal or family history including colorectal polyps, colorectal cancer, and breast and/or ovarian cancer (PMID: 30262796, 30680046, 31882575, 40429818); Nonsense variant predicted to result in protein truncation as the last 12 amino acid(s) are lost; This variant is associated with the following publications: (PMID: 30262796, 35448200, 30625039, 30680046, 29368431, 31882575, 40429818)

Blueprint Genetics
Classification: Uncertain significance. Last evaluated: 2024-11-08. Review status: criteria provided, single submitter. Criteria: ACMG Guidelines, 2015. Collection method: clinical testing. Allele origin: germline.

Fulgent Genetics
Classification: Uncertain significance for Fanconi anemia complementation group F. Last evaluated: 2024-02-18. Review status: criteria provided, single submitter. Criteria: ACMG Guidelines, 2015. Collection method: clinical testing. Allele origin: germline.

Women's Health and Genetics/Laboratory Corporation of America, LabCorp
Classification: Uncertain significance. Last evaluated: 2023-02-15. Review status: criteria provided, single submitter. Criteria: LabCorp Variant Classification Summary - May 2015. Collection method: clinical testing. Allele origin: germline.
Comment: Variant summary: FANCF c.1087C>T (p.Gln363X) results in a premature termination codon, predicted to cause a truncation of the encoded protein or absence of the protein due to nonsense mediated decay, which are commonly known mechanisms for disease. Truncations downstream of this position have been classified as pathogenic by our laboratory. The variant allele was found at a frequency of 6.8e-05 in 251490 control chromosomes. This frequency is not significantly higher than estimated for a pathogenic variant in FANCF causing Fanconi Anemia (6.8e-05 vs 0.0004), allowing no conclusion about variant significance. c.1087C>T has been reported in the literature in individuals affected with HBOC, tumor syndrome, and cardiac defect (Jarhelle_2019, Quezada_2018, Henn_2019, Hauser_2018). These reports do not provide unequivocal conclusions about association of the variant with Fanconi Anemia. To our knowledge, no experimental evidence demonstrating an impact on protein function has been reported. Four clinical diagnostic laboratories have submitted clinical-significance assessments for this variant to ClinVar after 2014 without evidence for independent evaluation. All laboratories classified the variant as uncertain significance. Based on the evidence outlined above, the variant was classified as VUS.

Labcorp Genetics (formerly Invitae), Labcorp
Classification: Uncertain significance for Fanconi anemia. Last evaluated: 2022-09-04. Review status: criteria provided, single submitter. Criteria: Invitae Variant Classification Sherloc (09022015). Collection method: clinical testing. Allele origin: germline.
Comment: This sequence change creates a premature translational stop signal (p.Gln363*) in the FANCF gene. While this is not anticipated to result in nonsense mediated decay, it is expected to disrupt the last 12 amino acid(s) of the FANCF protein. This variant is present in population databases (rs201285915, gnomAD 0.02%). This premature translational stop signal has been observed in individual(s) with breast and/or ovarian cancer (PMID: 30262796, 31882575). ClinVar contains an entry for this variant (Variation ID: 418190). Experimental studies and prediction algorithms are not available or were not evaluated, and the functional significance of this variant is currently unknown. In summary, the available evidence is currently insufficient to determine the role of this variant in disease. Therefore, it has been classified as a Variant of Uncertain Significance.

Department of Pathology and Laboratory Medicine, Sinai Health System
Classification: Uncertain significance for Fanconi anemia complementation group F. Last evaluated: 2022-04-26. Review status: criteria provided, single submitter. Criteria: ACMG Guidelines, 2015. Collection method: research. Allele origin: germline.

Literature cited by the submitters: PubMed 30262796 (cited by Women's Health and Genetics/Laboratory Corporation of America, LabCorp and Labcorp Genetics (formerly Invitae), Labcorp); PubMed 29368431 (cited by Women's Health and Genetics/Laboratory Corporation of America, LabCorp); PubMed 30680046 (cited by Women's Health and Genetics/Laboratory Corporation of America, LabCorp); PubMed 31882575 (cited by Women's Health and Genetics/Laboratory Corporation of America, LabCorp and Labcorp Genetics (formerly Invitae), Labcorp).